The following is an entry in ClinVar:

ClinVar aggregate classification (germline): Uncertain significance. Review status: criteria provided, multiple submitters, no conflicts (2 of 4 stars). 2 submissions from 2 submitters: Uncertain significance (2). Last evaluated 2025-03-25.

Conditions:
Ataxia-telangiectasia syndrome (AT). Also called: Cerebello-oculocutaneous telangiectasia; Immunodeficiency with ataxia telangiectasia; ATAXIA-TELANGIECTASIA, COMPLEMENTATION GROUP A; ATAXIA-TELANGIECTASIA, FRESNO VARIANT; Ataxia-telangiectasia, complementation group E; LOUIS-BAR SYNDROME. Identifiers: Orphanet 100, MedGen C0004135, MONDO:0008840, OMIM 208900.
Hereditary cancer-predisposing syndrome. Also called: Neoplastic Syndromes, Hereditary; Hereditary Cancer Syndrome; Tumor predisposition; Hereditary neoplastic syndrome. Identifiers: Orphanet 140162, MedGen C0027672, MeSH D009386, MONDO:0015356.

Submissions (2):

Ambry Genetics
Classification: Uncertain significance for Hereditary cancer-predisposing syndrome. Last evaluated: 2025-03-25. Review status: criteria provided, single submitter. Criteria: Ambry Variant Classification Scheme 2023. Collection method: clinical testing. Allele origin: germline.
Comment: The p.H943Y variant (also known as c.2827C>T), located in coding exon 17 of the ATM gene, results from a C to T substitution at nucleotide position 2827. The histidine at codon 943 is replaced by tyrosine, an amino acid with similar properties. This amino acid position is conserved. In addition, this alteration is predicted to be deleterious by in silico analysis. Based on the available evidence, the clinical significance of this variant remains unclear.

Labcorp Genetics (formerly Invitae), Labcorp
Classification: Uncertain significance for Ataxia-telangiectasia syndrome. Last evaluated: 2021-06-11. Review status: criteria provided, single submitter. Criteria: Invitae Variant Classification Sherloc (09022015). Collection method: clinical testing. Allele origin: germline.
Comment: This variant is not present in population databases (ExAC no frequency). In summary, the available evidence is currently insufficient to determine the role of this variant in disease. Therefore, it has been classified as a Variant of Uncertain Significance. Advanced modeling of protein sequence and biophysical properties (such as structural, functional, and spatial information, amino acid conservation, physicochemical variation, residue mobility, and thermodynamic stability) performed at Invitae indicates that this missense variant is not expected to disrupt ATM protein function. This variant has not been reported in the literature in individuals with ATM-related conditions. This sequence change replaces histidine with tyrosine at codon 943 of the ATM protein (p.His943Tyr). The histidine residue is highly conserved and there is a moderate physicochemical difference between histidine and tyrosine.

NM_000051.4(ATM):c.2827C>T (p.His943Tyr)

Gene: ATM (ATM serine/threonine kinase; plus strand). Cytogenetic location: 11q22.3.
Variant type: single nucleotide variant.
Coding change: c.2827C>T on transcript NM_000051.4 (MANE Select); coding-DNA position 2827, C replaced by T.
Protein change: p.His943Tyr; replaces histidine 943 with tyrosine.
Molecular consequence: missense variant.
Genome position (GRCh38, 1-based): chr11:108,268,598, C>T. VCF-style: chr11-108268598-C-T. GRCh37 (hg19) VCF-style: chr11-108139325-C-T.
Other names: c.2827C>T (NM_000051.3); c.2827C>T, p.His943Tyr (NM_001351834.2); short protein forms H943Y.
Identifiers: ClinVar variation 1515953 (VCV001515953.8), dbSNP rs2135527318, ClinGen allele CA382545810.